The following is an entry in ClinVar:

NM_201378.4(PLEC):c.71-5094C>T

Gene: PLEC (plectin; minus strand). Cytogenetic location: 8q24.3.
Variant type: single nucleotide variant.
Coding change: c.71-5094C>T on transcript NM_201378.4 (MANE Plus Clinical); 5094 bases into the intron before coding-DNA position 71, C replaced by T.
Molecular consequence: intron variant. On other transcripts: synonymous variant (1).
Genome position (GRCh38, 1-based): chr8:143,943,786, G>A on the plus strand (C>T on the coding strand, the complement: PLEC is on the minus strand). VCF-style: chr8-143943786-G-A. GRCh37 (hg19) VCF-style: chr8-145017954-G-A.
Other names: c.105C>T, p.Asp35= (NM_201382.4); c.194-5094C>T (NM_001410941.1, NM_000445.5); c.47-5094C>T (NM_201379.3); c.524-5094C>T (NM_201380.4); c.16+862C>T (NM_201381.3).
Identifiers: ClinVar variation 2658958 (VCV002658958.22), dbSNP rs373655612, ClinGen allele CA4928786.

ClinVar aggregate classification (germline): Likely benign (1 of 4 stars; one submission).

Allele frequency attached by ClinVar (database versions not stated): gnomAD exomes 0.00002; ESP Exome Variant Server 0.00008; ExAC 0.00002; gnomAD 0.00004; TOPMed 0.00004.
gnomAD v4.1: 30 of 1,611,486 alleles (0.0019%); highest among the groups gnomAD compares: Middle Eastern, 0.033%; no homozygotes.

Submission:

CeGaT Center for Human Genetics Tuebingen
Classification: Likely benign. Last evaluated: 2023-07-01. Review status: criteria provided, single submitter. Criteria: CeGaT Center For Human Genetics Tuebingen Variant Classification Criteria Version 2. Collection method: clinical testing. Allele origin: germline. Affected: yes. Observed: 1 variant allele.
Comment: PLEC: BP4, BP7